The following is an entry in ClinVar:

ClinVar aggregate classification (germline): Uncertain significance (1 of 4 stars; one submission).

Submission:

Ambry Genetics
Classification: Uncertain significance. Last evaluated: 2026-02-24. Review status: criteria provided, single submitter. Criteria: Ambry Variant Classification Scheme 2023. Collection method: clinical testing. Allele origin: germline.
Comment: The p.E572K variant (also known as c.1714G>A), located in coding exon 12 of the RINT1 gene, results from a G to A substitution at nucleotide position 1714. The glutamic acid at codon 572 is replaced by lysine, an amino acid with similar properties. This amino acid position is conserved. In addition, this alteration is predicted to be tolerated by in silico analysis. Based on the available evidence, the clinical significance of this variant remains unclear.

NM_021930.6(RINT1):c.1714G>A (p.Glu572Lys)

Gene: RINT1 (RAD50 interactor 1; plus strand). Cytogenetic location: 7q22.3.
Variant type: single nucleotide variant.
Coding change: c.1714G>A on transcript NM_021930.6 (MANE Select); coding-DNA position 1714, G replaced by A.
Protein change: p.Glu572Lys; replaces glutamic acid 572 with lysine.
Molecular consequence: missense variant. On other transcripts: non-coding transcript variant (1).
Genome position (GRCh38, 1-based): chr7:105,563,775, G>A. VCF-style: chr7-105563775-G-A. GRCh37 (hg19) VCF-style: chr7-105204222-G-A.
Other names: c.1480G>A, p.Glu494Lys (NM_001346599.2); c.691G>A, p.Glu231Lys (NM_001346600.2, NM_001346603.2); c.790G>A, p.Glu264Lys (NM_001346601.2); short protein forms E264K, E572K, E231K, E494K.
Identifiers: ClinVar variation 4825981 (VCV004825981.1).
Genomic context (GRCh38, chr7:105,563,775, plus strand): 5'-ACATGTTTTTGCTTTCAGTTCTTTCTACAACTTCAACAGGCTGCACTGGAGGTGTTTGCA[G>A]AGAATAATACTCTGAGTAAATTGCAGCTAGGACAGCTAGCCTCTATGGAGAGCTCTGTCT-3'
Protein context (NP_068749.3, residues 562-582): LQQAALEVFA[Glu572Lys]NNTLSKLQLG